The following is an entry in ClinVar:

ClinVar aggregate classification (germline): Pathogenic (1 of 4 stars; one submission).

Submission:

ARUP Laboratories, Molecular Genetics and Genomics, ARUP Laboratories
Classification: Pathogenic. Last evaluated: 2018-12-06. Review status: criteria provided, single submitter. Criteria: ARUP Molecular Germline Variant Investigation Process. Collection method: clinical testing. Allele origin: germline.
Comment: The RASA1 c.431_438delCCCCTTTG; p.Pro144fs variant, to our knowledge, is not reported in the medical literature or gene specific databases. This variant causes a frameshift by deleting 8 nucleotides, so it is predicted to result in a truncated protein or mRNA subject to nonsense-mediated decay. Based on available information, the p.Pro144fs variant is considered to be pathogenic.

NM_002890.3(RASA1):c.431_438del (p.Pro144fs)

Gene: RASA1 (RAS p21 protein activator 1; plus strand). Cytogenetic location: 5q14.3.
Variant type: Deletion.
Coding change: c.431_438del on transcript NM_002890.3 (MANE Select); coding-DNA positions 431 to 438, 8 bases deleted (CCCCTTTG; older notation c.431_438delCCCCTTTG).
Protein change: p.Pro144fs; shifts the reading frame from proline 144.
Molecular consequence: frameshift variant.
Genome position (GRCh38, 1-based): chr5:87,268,882-87,268,889, CCCCTTTG deleted. VCF-style (leftmost placement, unchanged base first): chr5-87268881-CCCCCTTTG-C. GRCh37 (hg19) VCF-style: chr5-86564698-CCCCCTTTG-C.
Other names: short protein forms P144fs.
Identifiers: ClinVar variation 811221 (VCV000811221.8), dbSNP rs1580179449, ClinGen allele CA915943420.